The following is an entry in ClinVar:

ClinVar aggregate classification (germline): Uncertain significance (1 of 4 stars; one submission).

Conditions:
Psoriasis 2. Identifiers: MedGen C1864497, MONDO:0011269, OMIM 602723.
Pityriasis rubra pilaris (PRP). Also called: Pityriasis rubra pilaris--familial type. Identifiers: Orphanet 2897, MedGen C0032027, MONDO:0100017, OMIM 173200, MONDO:0008251.

Submission:

Labcorp Genetics (formerly Invitae), Labcorp
Classification: Uncertain significance for Pityriasis rubra pilaris; Psoriasis 2. Last evaluated: 2025-12-01. Review status: criteria provided, single submitter. Criteria: Invitae Variant Classification Sherloc (09022015). Collection method: clinical testing. Allele origin: germline.
Comment: This sequence change replaces histidine, which is basic and polar, with aspartic acid, which is acidic and polar, at codon 719 of the CARD14 protein (p.His719Asp). This variant is not present in population databases (gnomAD no frequency). This variant has not been reported in the literature in individuals affected with CARD14-related conditions. Invitae Evidence Modeling of protein sequence and biophysical properties (such as structural, functional, and spatial information, amino acid conservation, physicochemical variation, residue mobility, and thermodynamic stability) has been performed for this missense variant. However, the output from this modeling did not meet the statistical confidence thresholds required to predict the impact of this variant on CARD14 protein function. In summary, the available evidence is currently insufficient to determine the role of this variant in disease. Therefore, it has been classified as a Variant of Uncertain Significance.

NM_001366385.1(CARD14):c.2155C>G (p.His719Asp)

Genes: SGSH (N-sulfoglucosamine sulfohydrolase; minus strand), CARD14 (caspase recruitment domain family member 14; plus strand). Cytogenetic location: 17q25.3.
Variant type: single nucleotide variant.
Coding change: c.2155C>G on transcript NM_001366385.1 (MANE Select); coding-DNA position 2155, C replaced by G.
Protein change: p.His719Asp; replaces histidine 719 with aspartic acid.
Molecular consequence: missense variant. On other transcripts: non-coding transcript variant (1).
Genome position (GRCh38, 1-based): chr17:80,202,356, C>G. VCF-style: chr17-80202356-C-G. GRCh37 (hg19) VCF-style: chr17-78176155-C-G.
Other names: c.2155C>G, p.His719Asp (NM_001257970.1, NM_024110.4); short protein forms H719D.
Identifiers: ClinVar variation 4783641 (VCV004783641.1).
Genomic context (GRCh38, chr17:80,202,356, plus strand): 5'-TGCAACGAGGTCCTGCACGTCACCGACACCATGTTCCAGGGCTGCGGCTGCTGGCATGCC[C>G]ACCGCGTGAACTCTTACACCATGAAGGATACTGCCGCGCACGGCACCATCCCCAACTACT-3'
Protein context (NP_001353314.1, residues 709-729): MFQGCGCWHA[His719Asp]RVNSYTMKDT